The following is an entry in ClinVar:

NM_001110556.2(FLNA):c.5967del (p.Ser1991fs)

Gene: FLNA (filamin A; minus strand). Cytogenetic location: Xq28.
Variant type: Deletion.
Coding change: c.5967del on transcript NM_001110556.2 (MANE Select); coding-DNA position 5967, one base deleted (G; older notation c.5967delG).
Protein change: p.Ser1991fs; shifts the reading frame from serine 1991.
Molecular consequence: frameshift variant.
Genome position (GRCh38, 1-based): chrX:154,353,351, C deleted on the plus strand (G on the coding strand, the reverse complement: FLNA is on the minus strand). VCF-style (leftmost placement, unchanged base first): chrX-154353350-GC-G. GRCh37 (hg19) VCF-style: chrX-153581718-GC-G.
Other names: c.5943del, p.Ser1983fs (NM_001456.4); short protein forms S1991fs, S1983fs.
Identifiers: ClinVar variation 4795945 (VCV004795945.1).

ClinVar aggregate classification (germline): Pathogenic (1 of 4 stars; one submission).

Conditions:
X-linked FLNA-related disorders.

Submission:

Variantyx, Inc.
Classification: Pathogenic for X-linked FLNA-related disorders. Last evaluated: 2025-09-06. Review status: criteria provided, single submitter. Criteria: Variantyx Assertion Criteria 2022. Collection method: clinical testing. Allele origin: maternal. Inheritance: X-linked inheritance.
Comment: This is a frameshift variant in the FLNA gene (OMIM: 300017). Pathogenic variants in this gene have been associated with X-linked FLNA-related disorders. The clinical symptoms reported for this individual are highly specific for X-linked FLNA-related disorders, which has a limited genetic etiology (PMID: 26471271, 35613087) (PP4). This variant introduces a premature termination codon in exon 37 out of 48 and is expected to result in loss of function, which is a known disease mechanism for FLNA in this disorder (PMID: 11532987) (PVS1). This variant is absent from control populations (PM2). Based on the current evidence, this variant is classified as likely pathogenic for X-linked FLNA-related disorders.

Literature cited by the submitters: PubMed 11532987; PubMed 26471271; PubMed 35613087.